The following is an entry in ClinVar:

ClinVar aggregate classification (germline): Likely benign. Review status: criteria provided, multiple submitters, no conflicts (2 of 4 stars). 2 submissions from 2 submitters: Likely benign (2). Last evaluated 2025-05-29.

Conditions:
Inborn genetic diseases. Identifiers: MedGen C0950123, MeSH D030342.
DNMT3A-related disorder. Also called: DNMT3A-related disorders; DNMT3A-related condition.

Submissions (2):

PreventionGenetics, part of Exact Sciences
Classification: Likely benign for DNMT3A-related condition. Last evaluated: 2025-05-29. Review status: criteria provided, single submitter. Criteria: ACMG Guidelines, 2015. Collection method: clinical testing. Allele origin: germline.
Comment: This variant is classified as likely benign based on ACMG/AMP sequence variant interpretation guidelines (Richards et al. 2015 PMID: 25741868, with internal and published modifications).

Ambry Genetics
Classification: Likely benign for Inborn genetic diseases. Last evaluated: 2025-04-17. Review status: criteria provided, single submitter. Criteria: Ambry Variant Classification Scheme 2023. Collection method: clinical testing. Allele origin: germline.

NM_022552.5(DNMT3A):c.1575G>T (p.Ala525=)

Gene: DNMT3A (DNA methyltransferase 3 alpha; minus strand). Cytogenetic location: 2p23.3.
Variant type: single nucleotide variant.
Coding change: c.1575G>T on transcript NM_022552.5 (MANE Select); coding-DNA position 1575, G replaced by T.
Protein change: p.Ala525=; no amino-acid change (alanine 525 retained).
Molecular consequence: synonymous variant. On other transcripts: non-coding transcript variant (1).
Genome position (GRCh38, 1-based): chr2:25,244,632, C>A on the plus strand (G>T on the coding strand, the complement: DNMT3A is on the minus strand). VCF-style: chr2-25244632-C-A. GRCh37 (hg19) VCF-style: chr2-25467501-C-A.
Other names: c.1119G>T, p.Ala373= (NM_001320893.1); c.906G>T, p.Ala302= (NM_001375819.1); c.1008G>T, p.Ala336= (NM_153759.3); c.1575G>T, p.Ala525= (NM_175629.2).
Identifiers: ClinVar variation 4013913 (VCV004013913.2).
Genomic context (GRCh38, chr2:25,244,632, plus strand): 5'-CTCACGGCCCCCACAGCAGATGGTGCAGTAGGACTGGTAGCCGTCGTCGTCGTACTGGTA[C>A]GCACACTCCAGAAAGCAGTTCTAGACAGCAGCGGGAAGGGTCAGAAACCACCAGGACGGG-3'
Protein context (NP_072046.2, residues 515-535): QNCKNCFLEC[Ala525=]YQYDDDGYQS